The following is an entry in ClinVar:

ClinVar aggregate classification (germline): Uncertain significance (1 of 4 stars; one submission).

Conditions:
Nemaline myopathy 9 (NEM9). Identifiers: MedGen C3810384, MONDO:0014326, OMIM 615731.

Allele frequency attached by ClinVar (database versions not stated): gnomAD exomes below 0.00001.
gnomAD v4.1: 2 of 1,602,062 alleles (0.00012%); highest among the groups gnomAD compares: Non-Finnish European, 0.00017%; no homozygotes.

Submission:

Labcorp Genetics (formerly Invitae), Labcorp
Classification: Uncertain significance for Nemaline myopathy 9. Last evaluated: 2020-10-05. Review status: criteria provided, single submitter. Criteria: Invitae Variant Classification Sherloc (09022015). Collection method: clinical testing. Allele origin: germline.
Comment: In summary, the available evidence is currently insufficient to determine the role of this variant in disease. Therefore, it has been classified as a Variant of Uncertain Significance. Algorithms developed to predict the effect of missense changes on protein structure and function output the following: SIFT: "Tolerated"; PolyPhen-2: "Benign"; Align-GVGD: "Class C0". The threonine amino acid residue is found in multiple mammalian species, suggesting that this missense change does not adversely affect protein function. These predictions have not been confirmed by published functional studies and their clinical significance is uncertain. This variant has not been reported in the literature in individuals with KLHL41-related conditions. This variant is not present in population databases (ExAC no frequency). This sequence change replaces alanine with threonine at codon 425 of the KLHL41 protein (p.Ala425Thr). The alanine residue is moderately conserved and there is a small physicochemical difference between alanine and threonine.

NM_006063.3(KLHL41):c.1273G>A (p.Ala425Thr)

Gene: KLHL41 (kelch like family member 41; plus strand). Cytogenetic location: 2q31.1.
Variant type: single nucleotide variant.
Coding change: c.1273G>A on transcript NM_006063.3 (MANE Select); coding-DNA position 1273, G replaced by A.
Protein change: p.Ala425Thr; replaces alanine 425 with threonine.
Molecular consequence: missense variant.
Genome position (GRCh38, 1-based): chr2:169,514,858, G>A. VCF-style: chr2-169514858-G-A. GRCh37 (hg19) VCF-style: chr2-170371368-G-A.
Other names: short protein forms A425T.
Identifiers: ClinVar variation 1061700 (VCV001061700.7), dbSNP rs1451090688, ClinGen allele CA349178665.
Genomic context (GRCh38, chr2:169,514,858, plus strand): 5'-TTTTCAGAACCTGGAATTTACTGAAGGTATATAAATTCTGTCTCGTTTAATTTTAGGGCT[G>A]CAAAATGGAACGAAGTAAAAAAACTCCCTATCAAAGTCTATGGCCATAATGTGATTTCAC-3'
Protein context (NP_006054.2, residues 415-435): DSVLCYDPVA[Ala425Thr]KWNEVKKLPI